The following is an entry in ClinVar:

ClinVar aggregate classification (germline): Pathogenic/Likely pathogenic. Review status: criteria provided, multiple submitters, no conflicts (2 of 4 stars). 3 submissions from 3 submitters: Pathogenic (1); Likely pathogenic (2). Last evaluated 2026-04-15.

Conditions:
Meckel syndrome, type 6. Identifiers: Orphanet 564, MedGen C2676790, MONDO:0012848, OMIM 612284.
COACH syndrome 2. Identifiers: MedGen C5436837, MONDO:0030859, OMIM 619111.
Joubert syndrome 9 (JBTS9). Identifiers: Orphanet 2318, MedGen C2676788, MONDO:0012849, OMIM 612285.
Retinitis pigmentosa 93. Identifiers: MedGen C5676970, MONDO:0030797, OMIM 619845.
Joubert syndrome. Also called: JOUBERT-BOLTSHAUSER SYNDROME; Familial aplasia of the vermis. Identifiers: Orphanet 475, MedGen C5979921, MONDO:0018772.
Meckel-Gruber syndrome. Also called: DYSENCEPHALIA SPLANCHNOCYSTICA; GRUBER SYNDROME; Dysencephalia splachnocystica. Identifiers: Orphanet 564, MedGen C0265215, MONDO:0018921.
Joubert syndrome and related disorders. Identifiers: Orphanet 140874, MedGen C5679612, MONDO:0015369.

gnomAD v4.1: 2 of 1,441,486 alleles (0.00014%); highest among the groups gnomAD compares: Non-Finnish European, 0.00019%; no homozygotes.

Submissions (3):

Myriad Genetics, Inc.
Classification: Likely pathogenic for Joubert syndrome and related disorders. Last evaluated: 2026-04-15. Review status: criteria provided, single submitter. Criteria: Myriad Autosomal Dominant, Autosomal Recessive and X-Linked Classification Criteria (2023). Collection method: clinical testing. Allele origin: unknown.
Comment: NM_001080522.2(CC2D2A):c.2923-1G>A is a variant in a canonical splice site classified as likely pathogenic in the context of CC2D2A-related disorders. c.2923-1G>A has not been observed in cases with relevant disease. Relevant functional assessments of this variant are not available in the literature. c.2923-1G>A has not been observed in referenced population frequency databases. In summary, NM_001080522.2(CC2D2A):c.2923-1G>A is a variant in a canonical splice site in a gene where loss of function is a known mechanism of disease and is predicted to disrupt protein function. Please note: this variant was assessed in the context of healthy population screening.

Labcorp Genetics (formerly Invitae), Labcorp
Classification: Likely pathogenic for Joubert syndrome; Meckel-Gruber syndrome. Last evaluated: 2023-04-09. Review status: criteria provided, single submitter. Criteria: Invitae Variant Classification Sherloc (09022015). Collection method: clinical testing. Allele origin: germline.
Comment: In summary, the currently available evidence indicates that the variant is pathogenic, but additional data are needed to prove that conclusively. Therefore, this variant has been classified as Likely Pathogenic. Algorithms developed to predict the effect of sequence changes on RNA splicing suggest that this variant may disrupt the consensus splice site. This variant has not been reported in the literature in individuals affected with CC2D2A-related conditions. This variant is not present in population databases (gnomAD no frequency). This sequence change affects an acceptor splice site in intron 23 of the CC2D2A gene. It is expected to disrupt RNA splicing. Variants that disrupt the donor or acceptor splice site typically lead to a loss of protein function (PMID: 16199547), and loss-of-function variants in CC2D2A are known to be pathogenic (PMID: 19777577).

Juno Genomics, Hangzhou Juno Genomics, Inc
Classification: Pathogenic for COACH syndrome 2; Joubert syndrome 9; Meckel syndrome, type 6; Retinitis pigmentosa 93. Review status: criteria provided, single submitter. Criteria: ACMG Guidelines, 2015. Collection method: clinical testing. Allele origin: germline. Affected: yes.
Comment: Absent from controls (or at extremely low frequency if recessive) in Genome Aggregation Database, Exome Sequencing Project, 1000 Genomes Project, or Exome Aggregation Consortium.;Null variant in a gene where loss of function (LOF) is a known mechanism of disease.;For recessive disorders, detected in trans with a pathogenic variant.

Literature cited by the submitters: PubMed 16199547 (cited by Labcorp Genetics (formerly Invitae), Labcorp); PubMed 19777577 (cited by Labcorp Genetics (formerly Invitae), Labcorp).

NM_001378615.1(CC2D2A):c.2923-1G>A

Genes: CC2D2A (coiled-coil and C2 domain containing 2A; plus strand), FBXL5 (F-box and leucine rich repeat protein 5; minus strand). Cytogenetic location: 4p15.32.
Variant type: single nucleotide variant.
Coding change: c.2923-1G>A on transcript NM_001378615.1 (MANE Select); the canonical splice acceptor site of the intron before coding-DNA position 2923, G replaced by A.
Molecular consequence: splice acceptor variant.
Genome position (GRCh38, 1-based): chr4:15,560,530, G>A. VCF-style: chr4-15560530-G-A. GRCh37 (hg19) VCF-style: chr4-15562153-G-A.
Other names: c.2923-1G>A (NM_001080522.2); c.2776-1G>A (NM_001378617.1).
Identifiers: ClinVar variation 2940749 (VCV002940749.6), dbSNP rs2475051413, ClinGen allele CA356413310.